The following is an entry in ClinVar:

NM_000069.3(CACNA1S):c.2821A>C (p.Met941Leu)

Gene: CACNA1S (calcium voltage-gated channel subunit alpha1 S; minus strand). Cytogenetic location: 1q32.1.
Variant type: single nucleotide variant.
Coding change: c.2821A>C on transcript NM_000069.3 (MANE Select); coding-DNA position 2821, A replaced by C.
Protein change: p.Met941Leu; replaces methionine 941 with leucine.
Molecular consequence: missense variant.
Genome position (GRCh38, 1-based): chr1:201,065,870, T>G on the plus strand (A>C on the coding strand, the complement: CACNA1S is on the minus strand). VCF-style: chr1-201065870-T-G. GRCh37 (hg19) VCF-style: chr1-201034998-T-G.
Other names: short protein forms M941L.
Identifiers: ClinVar variation 2925731 (VCV002925731.4), dbSNP rs1161484558, ClinGen allele CA344101389.

ClinVar aggregate classification (germline): Uncertain significance. Review status: criteria provided, multiple submitters, no conflicts (2 of 4 stars). 2 submissions from 2 submitters: Uncertain significance (2). Last evaluated 2023-07-08.

Conditions:
Malignant hyperthermia, susceptibility to, 5 (MHS5). Also called: CACNA1S-Related Malignant Hyperthermia Susceptibility. Identifiers: Orphanet 423, MedGen C1866077, MONDO:0011163, OMIM 601887.
Hypokalemic periodic paralysis, type 1. Also called: Hypokalemic Periodic Paralysis Type 1 (AD); HypoPP. Identifiers: Orphanet 681, MedGen C3714580, MONDO:0042979, OMIM 170400.

Allele frequency attached by ClinVar (database versions not stated): gnomAD exomes 0.00001.
gnomAD v4.1: 7 of 1,614,006 alleles (0.00043%); highest among the groups gnomAD compares: Non-Finnish European, 0.00059%; no homozygotes.

Submissions (2):

Labcorp Genetics (formerly Invitae), Labcorp
Classification: Uncertain significance for Hypokalemic periodic paralysis, type 1; Malignant hyperthermia, susceptibility to, 5. Last evaluated: 2023-07-08. Review status: criteria provided, single submitter. Criteria: Invitae Variant Classification Sherloc (09022015). Collection method: clinical testing. Allele origin: germline.
Comment: In summary, the available evidence is currently insufficient to determine the role of this variant in disease. Therefore, it has been classified as a Variant of Uncertain Significance. Advanced modeling of protein sequence and biophysical properties (such as structural, functional, and spatial information, amino acid conservation, physicochemical variation, residue mobility, and thermodynamic stability) performed at Invitae indicates that this missense variant is not expected to disrupt CACNA1S protein function. This variant has not been reported in the literature in individuals affected with CACNA1S-related conditions. This variant is not present in population databases (gnomAD no frequency). This sequence change replaces methionine, which is neutral and non-polar, with leucine, which is neutral and non-polar, at codon 941 of the CACNA1S protein (p.Met941Leu).

All of Us Research Program, National Institutes of Health
Classification: Uncertain significance for Malignant hyperthermia, susceptibility to, 5. Last evaluated: 2023-05-08. Review status: criteria provided, single submitter. Criteria: ACMG Guidelines, 2015. Collection method: clinical testing. Allele origin: germline. Inheritance: Autosomal dominant inheritance. Observed: 1 variant allele, 1 heterozygote.
Comment: This study involves interpretation of variants in research participants for the purpose of population health screening. Participant phenotype was not available at the time of variant classification. Additional details can be found in publication PMID: 35346344, PMCID: PMC8962531